The following is an entry in ClinVar:

ClinVar aggregate classification (germline): Pathogenic. Review status: reviewed by expert panel (3 of 4 stars). 2 submissions from 2 submitters: Pathogenic (1). 1 of the submissions does not count toward it. Last evaluated 2025-12-29.

Conditions:
Autosomal recessive limb-girdle muscular dystrophy. Identifiers: Orphanet 102015, MedGen C2931907, MONDO:0015152.
Neuromuscular disease caused by qualitative or quantitative defects of dysferlin. Also called: Dysferlinopathy; Qualitative or quantitative defects of dysferlin. Identifiers: Orphanet 207073, MedGen C2931687, MONDO:0016145.

Submissions (2):

ClinGen Limb Girdle Muscular Dystrophy Variant Curation Expert Panel, ClinGen
Classification: Pathogenic for Autosomal recessive limb-girdle muscular dystrophy. Last evaluated: 2025-12-29. Review status: reviewed by expert panel. Criteria: ClinGen LGMD VCEP ACMG Specifications DYSF V2.0.0. Collection method: curation. Allele origin: germline. Inheritance: Autosomal recessive inheritance.
Comment: The NM_003494.4: c.5350C>T p.(Gln1784Ter) variant in DYSF, which is also known as NM_001130987.2: c.5467C>T p.(Gln1823Ter), is a stop-gained variant expected to introduce a premature stop codon in exon 48/55, leading to nonsense mediated decay in a gene in which loss of function is a known disease mechanism (PVS1). This variant has been reported in at least two individuals with features consistent with LGMD (PMID: 39350328, 37974208, 34559919, 33560664), including in a homozygous state without reported familial consanguinity (0.5 pts, PMID: 34559919) (PM3_Supporting). The patient homozygous for this variant exhibited progressive muscle weakness and had absent dysferlin protein expression in skeletal muscle, which is highly specific for DYSF-related LGMD (PMID: 34559919; PP4_Strong). This variant is absent from gnomAD v4.1.0 (PM2_Supporting). In summary, this variant meets the criteria to be classified as Pathogenic for autosomal recessive limb girdle muscular dystrophy based on the ACMG/AMP criteria applied, as specified by the ClinGen LGMD VCEP (LGMD VCEP specifications version 2.0.0; 12/29/2025): PVS1, PM3_Supporting, PP4_Strong, PM2_Supporting.

Labcorp Genetics (formerly Invitae), Labcorp
Classification: Pathogenic for Neuromuscular disease caused by qualitative or quantitative defects of dysferlin. Last evaluated: 2017-02-15. Review status: criteria provided, single submitter. Criteria: Invitae Variant Classification Sherloc (09022015). Collection method: clinical testing. Allele origin: germline. Not counted in ClinVar's aggregate classification.
Comment: For these reasons, this variant has been classified as Pathogenic. While this particular variant has not been reported in the literature, loss-of-function variants in DYSF are known to be pathogenic (PMID: 27066573). This sequence change creates a premature translational stop signal at codon 1784 (p.Gln1784*) of the DYSF gene. It is expected to result in an absent or disrupted protein product.

Literature cited by the submitters: PubMed 27066573 (cited by Labcorp Genetics (formerly Invitae), Labcorp).

NM_001130987.2(DYSF):c.5467C>T (p.Gln1823Ter)

Gene: DYSF (dysferlin; plus strand). Cytogenetic location: 2p13.2.
Variant type: single nucleotide variant.
Coding change: c.5467C>T on transcript NM_001130987.2 (MANE Select); coding-DNA position 5467, C replaced by T.
Protein change: p.Gln1823Ter; replaces glutamine 1823 with a stop codon.
Molecular consequence: nonsense.
Genome position (GRCh38, 1-based): chr2:71,668,763, C>T. VCF-style: chr2-71668763-C-T. GRCh37 (hg19) VCF-style: chr2-71895893-C-T.
Other names: NM_001130987.2(DYSF):c.5467C>T; p.Gln1823Ter; c.5413C>T, p.Gln1805Ter (NM_001130978.2); c.5443C>T, p.Gln1815Ter (NM_001130979.2); c.5401C>T, p.Gln1801Ter (NM_001130980.2); c.5353C>T, p.Gln1785Ter (NM_001130455.2); c.5308C>T, p.Gln1770Ter (NM_001130976.2); c.5371C>T, p.Gln1791Ter (NM_001130977.2); and 7 more; short protein forms Q1784*, Q1823*, Q1791*, Q1792*, Q1801*, Q1802*, Q1806*, Q1822*.
Identifiers: ClinVar variation 471317 (VCV000471317.6), dbSNP rs1553415109, ClinGen allele CA347221697.